The following is an entry in ClinVar:

NM_000152.5(GAA):c.2182_2183del (p.Phe728fs)

Gene: GAA (alpha glucosidase; plus strand). Cytogenetic location: 17q25.3.
Variant type: Deletion.
Coding change: c.2182_2183del on transcript NM_000152.5 (MANE Select); coding-DNA positions 2182 to 2183, 2 bases deleted (TT; older notation c.2182_2183delTT).
Protein change: p.Phe728fs; shifts the reading frame from phenylalanine 728.
Molecular consequence: frameshift variant.
Genome position (GRCh38, 1-based): chr17:80,113,359-80,113,360, TT deleted. VCF-style (leftmost placement, unchanged base first): chr17-80113358-CTT-C. GRCh37 (hg19) VCF-style: chr17-78087157-CTT-C.
Other names: c.2182_2183del, p.Phe728fs (NM_001079803.3, NM_001079804.3, NM_001406741.1 and 1 more transcripts); short protein forms F728fs.
Identifiers: ClinVar variation 4876501 (VCV004876501.1).

ClinVar aggregate classification (germline): Pathogenic (1 of 4 stars; one submission).

Conditions:
Glycogen storage disease, type II (IOPD). Also called: Pompe Disease; CARDIOMEGALIA GLYCOGENICA DIFFUSA; GLYCOGENOSIS, GENERALIZED, CARDIAC FORM; GSD II; POMPE DISEASE, INFANTILE-ONSET; GLYCOGEN STORAGE DISEASE II, INFANTILE-ONSET. Identifiers: Orphanet 365, MedGen C0017921, MONDO:0009290, OMIM 232300.

Submission:

Genomenon, Inc
Classification: Pathogenic for Glycogen storage disease, type II. Last evaluated: 2026-07-01. Review status: criteria provided, single submitter. Criteria: Genomenon Sequence Variant Interpretation Standards - Updated. Collection method: curation. Allele origin: germline. Affected: no.
Comment: GAA p.Phe728ProfsTer8 (c.2182_2183del) is a frameshift variant that is predicted to introduce a premature termination codon and result in a truncated or absent protein product. This variant has been reported in the published literature (PMID:30155607;31342611). It is absent or not present at a significant frequency in gnomAD. In conclusion, we classify GAA p.Phe728ProfsTer8 (c.2182_2183del) as a pathogenic variant.

Literature cited by the submitters: PubMed 30155607; PubMed 31342611.